The following is an entry in ClinVar:

NM_173500.4(TTBK2):c.1112C>T (p.Ser371Phe)

Gene: TTBK2 (tau tubulin kinase 2; minus strand). Cytogenetic location: 15q15.2.
Variant type: single nucleotide variant.
Coding change: c.1112C>T on transcript NM_173500.4 (MANE Select); coding-DNA position 1112, C replaced by T.
Protein change: p.Ser371Phe; replaces serine 371 with phenylalanine.
Molecular consequence: missense variant.
Genome position (GRCh38, 1-based): chr15:42,783,504, G>A on the plus strand (C>T on the coding strand, the complement: TTBK2 is on the minus strand). VCF-style: chr15-42783504-G-A. GRCh37 (hg19) VCF-style: chr15-43075702-G-A.
Other names: short protein forms S371F.
Identifiers: ClinVar variation 1807148 (VCV001807148.15), dbSNP rs760323338, ClinGen allele CA7516966.

ClinVar aggregate classification (germline): Conflicting classifications of pathogenicity. Review status: criteria provided, conflicting classifications (1 of 4 stars). 4 submissions from 4 submitters: Uncertain significance (2); Likely benign (2). Last evaluated 2025-07-01.

Allele frequency attached by ClinVar (database versions not stated): ExAC 0.00007; gnomAD 0.00002.
gnomAD v4.1: 24 of 1,614,020 alleles (0.0015%); highest among the groups gnomAD compares: Non-Finnish European, 0.0017%; no homozygotes.

Submissions (4):

CeGaT Center for Human Genetics Tuebingen
Classification: Likely benign. Last evaluated: 2025-07-01. Review status: criteria provided, single submitter. Criteria: CeGaT Center For Human Genetics Tuebingen Variant Classification Criteria Version 2. Collection method: clinical testing. Allele origin: germline. Affected: yes. Observed: 1 variant allele.
Comment: TTBK2: BP4

Labcorp Genetics (formerly Invitae), Labcorp
Classification: Uncertain significance. Last evaluated: 2025-02-17. Review status: criteria provided, single submitter. Criteria: Invitae Variant Classification Sherloc (09022015). Collection method: clinical testing. Allele origin: germline.
Comment: This sequence change replaces serine, which is neutral and polar, with phenylalanine, which is neutral and non-polar, at codon 371 of the TTBK2 protein (p.Ser371Phe). This variant is present in population databases (rs760323338, gnomAD 0.01%). This variant has not been reported in the literature in individuals affected with TTBK2-related conditions. ClinVar contains an entry for this variant (Variation ID: 1807148). An algorithm developed to predict the effect of missense changes on protein structure and function (PolyPhen-2) suggests that this variant is likely to be tolerated. In summary, the available evidence is currently insufficient to determine the role of this variant in disease. Therefore, it has been classified as a Variant of Uncertain Significance.

Laboratory of Genetics, Children's Clinical University Hospital Latvia
Classification: Likely benign. Last evaluated: 2025-02-16. Review status: criteria provided, single submitter. Criteria: ACMG Guidelines, 2015. Collection method: clinical testing. Allele origin: germline. Affected: yes.

Athena Diagnostics
Classification: Uncertain significance. Last evaluated: 2022-05-03. Review status: criteria provided, single submitter. Criteria: Athena Diagnostics Criteria. Collection method: clinical testing. Allele origin: unknown.